The following is an entry in ClinVar:

NM_001040142.2(SCN2A):c.1820G>A (p.Arg607Gln)

Gene: SCN2A (sodium voltage-gated channel alpha subunit 2; plus strand). Cytogenetic location: 2q24.3.
Variant type: single nucleotide variant.
Coding change: c.1820G>A on transcript NM_001040142.2 (MANE Select); coding-DNA position 1820, G replaced by A.
Protein change: p.Arg607Gln; replaces arginine 607 with glutamine.
Molecular consequence: missense variant.
Genome position (GRCh38, 1-based): chr2:165,323,304, G>A. VCF-style: chr2-165323304-G-A. GRCh37 (hg19) VCF-style: chr2-166179814-G-A.
Other names: p.Arg607Gln; c.1820G>A, p.Arg607Gln (NM_001040143.2, NM_001371246.1, NM_001371247.1 and 1 more transcripts); short protein forms R607Q.
Identifiers: ClinVar variation 522924 (VCV000522924.14), dbSNP rs755003900, ClinGen allele CA1939875.

ClinVar aggregate classification (germline): Conflicting classifications of pathogenicity. Review status: criteria provided, conflicting classifications (1 of 4 stars). 5 submissions from 5 submitters: Uncertain significance (4); Likely benign (1). Last evaluated 2025-04-24.

Conditions:
Seizures, benign familial infantile, 3 (BFIS3). Also called: CONVULSIONS, BENIGN FAMILIAL INFANTILE, 3; Familial neonatal seizures. Identifiers: Orphanet 140927, Orphanet 306, MedGen C1843140, MONDO:0011904, OMIM 607745.
Developmental and epileptic encephalopathy, 11 (DEE11). Also called: Early infantile epileptic encephalopathy 11. Identifiers: Orphanet 1934, MedGen C3150987, MONDO:0013388, OMIM 613721.
SCN2A-related disorder. Also called: SCN2A-related disorders; SCN2A-related condition. Identifiers: MedGen CN382226, MONDO:1060245.

Allele frequency attached by ClinVar (database versions not stated): ExAC 0.00001.
gnomAD v4.1: 27 of 1,614,142 alleles (0.0017%); highest among the groups gnomAD compares: East Asian, 0.0022%; no homozygotes.

Submissions (5):

GeneDx
Classification: Uncertain significance. Last evaluated: 2025-04-24. Review status: criteria provided, single submitter. Criteria: GeneDx Variant Classification Process June 2021. Collection method: clinical testing. Allele origin: germline. Affected: yes.
Comment: In silico analysis supports that this missense variant has a deleterious effect on protein structure/function; This substitution is predicted to be in the cytoplasmic loop between the first and second homologous domains; This variant is associated with the following publications: (PMID: 38693247)

Labcorp Genetics (formerly Invitae), Labcorp
Classification: Uncertain significance for Seizures, benign familial infantile, 3; Developmental and epileptic encephalopathy, 11. Last evaluated: 2025-04-19. Review status: criteria provided, single submitter. Criteria: Invitae Variant Classification Sherloc (09022015). Collection method: clinical testing. Allele origin: germline.
Comment: This sequence change replaces arginine, which is basic and polar, with glutamine, which is neutral and polar, at codon 607 of the SCN2A protein (p.Arg607Gln). This variant is not present in population databases (gnomAD no frequency). This missense change has been observed in individual(s) with SCN2A-related conditions (PMID: 38693247). ClinVar contains an entry for this variant (Variation ID: 522924). Invitae Evidence Modeling of protein sequence and biophysical properties (such as structural, functional, and spatial information, amino acid conservation, physicochemical variation, residue mobility, and thermodynamic stability) indicates that this missense variant is expected to disrupt SCN2A protein function with a positive predictive value of 95%. In summary, the available evidence is currently insufficient to determine the role of this variant in disease. Therefore, it has been classified as a Variant of Uncertain Significance.

Mayo Clinic Laboratories, Mayo Clinic
Classification: Uncertain significance. Last evaluated: 2025-01-30. Review status: criteria provided, single submitter. Criteria: ACMG Guidelines, 2015. Collection method: clinical testing. Allele origin: germline. Observed: 1 variant allele.
Comment: PP2

PreventionGenetics, part of Exact Sciences
Classification: Uncertain significance for SCN2A-related condition. Last evaluated: 2023-01-26. Review status: criteria provided, single submitter. Criteria: ACMG Guidelines, 2015. Collection method: clinical testing. Allele origin: germline.
Comment: The SCN2A c.1820G>A variant is predicted to result in the amino acid substitution p.Arg607Gln. To our knowledge, this variant has not been reported in the literature or in a large population database, indicating this variant is rare. At this time, the clinical significance of this variant is uncertain due to the absence of conclusive functional and genetic evidence.

Genomic Research Center, Shahid Beheshti University of Medical Sciences
Classification: Likely benign. Last evaluated: 2020-05-03. Review status: criteria provided, single submitter. Criteria: ACMG Guidelines, 2015. Collection method: clinical testing. Allele origin: unknown. Affected: yes.

Literature cited by the submitters: PubMed 38693247 (cited by Labcorp Genetics (formerly Invitae), Labcorp and Mayo Clinic Laboratories, Mayo Clinic).